The following is an entry in ClinVar:

ClinVar aggregate classification (germline): Uncertain significance (1 of 4 stars; one submission).

Conditions:
LMX1A-related disorder. Also called: LMX1A-related condition.

Allele frequency attached by ClinVar (database versions not stated): gnomAD exomes below 0.00001; gnomAD 0.00001; TOPMed 0.00001; ExAC 0.00003.
gnomAD v4.1: 11 of 1,612,380 alleles (0.00068%); highest among the groups gnomAD compares: Non-Finnish European, 0.00042%; no homozygotes.

Submission:

PreventionGenetics, part of Exact Sciences
Classification: Uncertain significance for LMX1A-related condition. Last evaluated: 2022-10-27. Review status: criteria provided, single submitter. Criteria: ACMG Guidelines, 2015. Collection method: clinical testing. Allele origin: germline.
Comment: The LMX1A c.95A>G variant is predicted to result in the amino acid substitution p.Lys32Arg. To our knowledge, this variant has not been reported in the literature. This variant is reported in 0.0027% of alleles in individuals of European (Non-Finnish) descent in gnomAD. At this time, the clinical significance of this variant is uncertain due to the absence of conclusive functional and genetic evidence.

NM_177398.4(LMX1A):c.95A>G (p.Lys32Arg)

Gene: LMX1A (LIM homeobox transcription factor 1 alpha; minus strand). Cytogenetic location: 1q23.3.
Variant type: single nucleotide variant.
Coding change: c.95A>G on transcript NM_177398.4 (MANE Select); coding-DNA position 95, A replaced by G.
Protein change: p.Lys32Arg; replaces lysine 32 with arginine.
Molecular consequence: missense variant.
Genome position (GRCh38, 1-based): chr1:165,353,244, T>C on the plus strand (A>G on the coding strand, the complement: LMX1A is on the minus strand). VCF-style: chr1-165353244-T-C. GRCh37 (hg19) VCF-style: chr1-165322481-T-C.
Other names: c.95A>G, p.Lys32Arg (NM_001174069.2); short protein forms K32R.
Identifiers: ClinVar variation 2636115 (VCV002636115.1), dbSNP rs756993924, ClinGen allele CA1219874.